The following is an entry in ClinVar:

ClinVar aggregate classification (germline): Likely benign. Review status: criteria provided, multiple submitters, no conflicts (2 of 4 stars). 2 submissions from 2 submitters: Likely benign (2). Last evaluated 2025-10-27.

Conditions:
Peutz-Jeghers syndrome (PJS). Also called: POLYPOSIS, HAMARTOMATOUS INTESTINAL; POLYPS-AND-SPOTS SYNDROME; Peutz-Jeghers polyposis; Periorificial lentiginosis syndrome. Identifiers: Orphanet 2869, MedGen C0031269, MeSH D010580, MONDO:0008280, OMIM 175200.

Submissions (2):

Labcorp Genetics (formerly Invitae), Labcorp
Classification: Likely benign for Peutz-Jeghers syndrome. Last evaluated: 2025-10-27. Review status: criteria provided, single submitter. Criteria: Invitae Variant Classification Sherloc (09022015). Collection method: clinical testing. Allele origin: germline.

Myriad Genetics, Inc.
Classification: Likely benign for Peutz-Jeghers syndrome. Last evaluated: 2025-03-28. Review status: criteria provided, single submitter. Criteria: Myriad Autosomal Dominant, Autosomal Recessive and X-Linked Classification Criteria (2023). Collection method: clinical testing. Allele origin: unknown.
Comment: This variant is considered likely benign. This variant is intronic and is not expected to impact mRNA splicing.

NM_000455.5(STK11):c.921-17C>T

Gene: STK11 (serine/threonine kinase 11; plus strand). Cytogenetic location: 19p13.3.
Variant type: single nucleotide variant.
Coding change: c.921-17C>T on transcript NM_000455.5 (MANE Select); 17 bases into the intron before coding-DNA position 921, C replaced by T.
Molecular consequence: intron variant.
Genome position (GRCh38, 1-based): chr19:1,222,968, C>T. VCF-style: chr19-1222968-C-T. GRCh37 (hg19) VCF-style: chr19-1222967-C-T.
Other names: c.921-17C>T (NM_001407255.1).
Identifiers: ClinVar variation 3903893 (VCV003903893.2).